The following is an entry in ClinVar:

ClinVar aggregate classification (germline): Uncertain significance. Review status: criteria provided, multiple submitters, no conflicts (2 of 4 stars). 2 submissions from 2 submitters: Uncertain significance (2). Last evaluated 2025-08-02.

Conditions:
Inborn genetic diseases. Identifiers: MedGen C0950123, MeSH D030342.

Allele frequency attached by ClinVar (database versions not stated): gnomAD exomes 0.00002; ExAC 0.00003; TOPMed 0.00003; gnomAD 0.00006; 1000 Genomes Project 0.00060; 1000 Genomes Project 30x 0.00078.
gnomAD v4.1: 42 of 1,613,962 alleles (0.0026%); highest among the groups gnomAD compares: Admixed American, 0.033%; 2 homozygotes.

Submissions (2):

Ambry Genetics
Classification: Uncertain significance for Inborn genetic diseases. Last evaluated: 2025-08-02. Review status: criteria provided, single submitter. Criteria: Ambry Variant Classification Scheme 2023. Collection method: clinical testing. Allele origin: germline.

Labcorp Genetics (formerly Invitae), Labcorp
Classification: Uncertain significance. Last evaluated: 2025-01-23. Review status: criteria provided, single submitter. Criteria: Invitae Variant Classification Sherloc (09022015). Collection method: clinical testing. Allele origin: germline.
Comment: This sequence change replaces arginine, which is basic and polar, with glutamine, which is neutral and polar, at codon 181 of the MBD4 protein (p.Arg181Gln). This variant is present in population databases (rs180996357, gnomAD 0.02%). This variant has not been reported in the literature in individuals affected with MBD4-related conditions. ClinVar contains an entry for this variant (Variation ID: 2176351). An algorithm developed to predict the effect of missense changes on protein structure and function outputs the following: PolyPhen-2: "Possibly Damaging". The glutamine amino acid residue is found in multiple mammalian species, which suggests that this missense change does not adversely affect protein function. In summary, the available evidence is currently insufficient to determine the role of this variant in disease. Therefore, it has been classified as a Variant of Uncertain Significance.

NM_001276270.2(MBD4):c.542G>A (p.Arg181Gln)

Gene: MBD4 (methyl-CpG binding domain 4, DNA glycosylase; minus strand). Cytogenetic location: 3q21.3.
Variant type: single nucleotide variant.
Coding change: c.542G>A on transcript NM_001276270.2 (MANE Select); coding-DNA position 542, G replaced by A.
Protein change: p.Arg181Gln; replaces arginine 181 with glutamine.
Molecular consequence: missense variant. On other transcripts: intron variant (1).
Genome position (GRCh38, 1-based): chr3:129,437,102, C>T on the plus strand (G>A on the coding strand, the complement: MBD4 is on the minus strand). VCF-style: chr3-129437102-C-T. GRCh37 (hg19) VCF-style: chr3-129155945-C-T.
Other names: c.542G>A, p.Arg181Gln (NM_001276271.2, NM_001276272.2, NM_003925.3); c.247+706G>A (NM_001276273.2); short protein forms R181Q.
Identifiers: ClinVar variation 2176351 (VCV002176351.5), dbSNP rs180996357, ClinGen allele CA2605513.